The following is an entry in ClinVar:

NM_001199107.2(TBC1D24):c.571T>C (p.Cys191Arg)

Gene: TBC1D24 (TBC1 domain family member 24; plus strand). Cytogenetic location: 16p13.3.
Variant type: single nucleotide variant.
Coding change: c.571T>C on transcript NM_001199107.2 (MANE Select); coding-DNA position 571, T replaced by C.
Protein change: p.Cys191Arg; replaces cysteine 191 with arginine.
Molecular consequence: missense variant.
Genome position (GRCh38, 1-based): chr16:2,496,719, T>C. VCF-style: chr16-2496719-T-C. GRCh37 (hg19) VCF-style: chr16-2546720-T-C.
Other names: c.571T>C (NM_001199107.1); c.571T>C, p.Cys191Arg (NM_020705.3); short protein forms C191R.
Identifiers: ClinVar variation 2584794 (VCV002584794.2), dbSNP rs2505514774, ClinGen allele CA394376617.

ClinVar aggregate classification (germline): Uncertain significance. Review status: criteria provided, single submitter (1 of 4 stars). 2 submissions from 1 submitter: Uncertain significance (2).

Conditions:
Familial infantile myoclonic epilepsy (FIME). Also called: Epilepsy, Myoclonic, Infantile; TBC1D24-Related Familial Infantile Myoclonic Epilepsy (FIME). Identifiers: Orphanet 352582, MedGen C0917800, MONDO:0011506, OMIM 605021.
DOORS syndrome (DOORS). Also called: DRC SYNDROME; BRACHYDACTYLY DUE TO ABSENCE OF DISTAL PHALANGES; ERONEN SYNDROME; DOOR SYNDROME; DEAFNESS, ONYCHODYSTROPHY, OSTEODYSTROPHY, IMPAIRED INTELLECTUAL DEVELOPMENT, AND SEIZURES SYNDROME; Digitorenocerebral syndrome. Identifiers: Orphanet 3231, Orphanet 79500, MedGen C0795934, MONDO:0009079, OMIM 220500. Disease mechanism: loss of function.
Malignant migrating partial seizures of infancy. Identifiers: Orphanet 293181, MedGen CN262433, MONDO:0017385.
Developmental and epileptic encephalopathy, 16 (DEE16). Also called: Early infantile epileptic encephalopathy 16; TBC1D24-Related Developmental and Epileptic Encephalopathy (DEE). Identifiers: Orphanet 293181, Orphanet 352596, MedGen C3809173, MONDO:0014133, OMIM 615338.
Rolandic epilepsy-paroxysmal exercise-induced dystonia-writer's cramp syndrome. Also called: RE-PED-WC; TBC1D24-Related Rolandic Epilepsy with Paroxysmal Exercise-Induced Dystonia and Writer's Cramp (EPRPDC). Identifiers: Orphanet 163727, MedGen C1842531, MONDO:0011970, OMIM 608105.

Submissions (2):

Neuberg Centre For Genomic Medicine, NCGM
Classification: Uncertain significance for Rolandic epilepsy-paroxysmal exercise-induced dystonia-writer's cramp syndrome. Review status: criteria provided, single submitter. Criteria: ACMG Guidelines, 2015. Collection method: clinical testing. Allele origin: germline. Inheritance: Autosomal recessive inheritance. Affected: yes.
Comment: The c.571T>C (p.Cys191Arg) missense variant in TBC1D24 gene has not been reported previously as a pathogenic variant nor as a benign variant, to our knowledge. The p.Cys191Arg variant is novel (not in any individuals) in gnomAD Exomes and 1000 Genomes. The amino acid Cys at position 191 is changed to a Arg changing protein sequence and it might alter its composition and physico-chemical properties. The amino acid change p.Cys191Arg in TBC1D24 is predicted as conserved by GERP++ and PhyloP across 100 vertebrates. For these reasons, this variant has been classified as Variant of Uncertain Significance (VUS).

Neuberg Centre For Genomic Medicine, NCGM
Classification: Uncertain significance for Developmental and epileptic encephalopathy, 16. Review status: criteria provided, single submitter. Criteria: ACMG Guidelines, 2015. Collection method: clinical testing. Allele origin: germline. Inheritance: Autosomal recessive inheritance. Affected: yes.
Comment: The missense variant c.571T>C (p.Cys191Arg) in TBC1D24 gene has not been reported previously as a pathogenic variant nor as a benign variant, to our knowledge. The p.Cys191Arg variant is novel (not in any individuals) in gnomAD Exomes and 1000 Genomes. The amino acid Cys at position 191 is changed to a Arg changing protein sequence and it might alter its composition and physico-chemical properties. The amino acid change p.Cys191Arg in TBC1D24 is predicted as conserved by GERP++ and PhyloP across 100 vertebrates. For these reasons, this variant has been classified as Uncertain Significance .